The following is an entry in ClinVar:

ClinVar aggregate classification (germline): Uncertain significance (1 of 4 stars; one submission).

Submission:

Labcorp Genetics (formerly Invitae), Labcorp
Classification: Uncertain significance. Last evaluated: 2024-10-27. Review status: criteria provided, single submitter. Criteria: Invitae Variant Classification Sherloc (09022015). Collection method: clinical testing. Allele origin: germline.
Comment: This sequence change replaces threonine, which is neutral and polar, with alanine, which is neutral and non-polar, at codon 600 of the SRCAP protein (p.Thr600Ala). This variant is not present in population databases (gnomAD no frequency). This variant has not been reported in the literature in individuals affected with SRCAP-related conditions. Invitae Evidence Modeling of protein sequence and biophysical properties (such as structural, functional, and spatial information, amino acid conservation, physicochemical variation, residue mobility, and thermodynamic stability) indicates that this missense variant is not expected to disrupt SRCAP protein function with a negative predictive value of 80%. In summary, the available evidence is currently insufficient to determine the role of this variant in disease. Therefore, it has been classified as a Variant of Uncertain Significance.

NM_006662.3(SRCAP):c.1798A>G (p.Thr600Ala)

Gene: SRCAP (Snf2 related CREBBP activator protein; plus strand). Cytogenetic location: 16p11.2.
Variant type: single nucleotide variant.
Coding change: c.1798A>G on transcript NM_006662.3 (MANE Select); coding-DNA position 1798, A replaced by G.
Protein change: p.Thr600Ala; replaces threonine 600 with alanine.
Molecular consequence: missense variant.
Genome position (GRCh38, 1-based): chr16:30,712,140, A>G. VCF-style: chr16-30712140-A-G. GRCh37 (hg19) VCF-style: chr16-30723461-A-G.
Other names: short protein forms T600A.
Identifiers: ClinVar variation 3702509 (VCV003702509.2).